The following is an entry in ClinVar:

NM_001376.5(DYNC1H1):c.12515C>G (p.Ser4172Cys)

Gene: DYNC1H1 (dynein cytoplasmic 1 heavy chain 1; plus strand). Cytogenetic location: 14q32.31.
Variant type: single nucleotide variant.
Coding change: c.12515C>G on transcript NM_001376.5 (MANE Select); coding-DNA position 12515, C replaced by G.
Protein change: p.Ser4172Cys; replaces serine 4172 with cysteine.
Molecular consequence: missense variant.
Genome position (GRCh38, 1-based): chr14:102,043,876, C>G. VCF-style: chr14-102043876-C-G. GRCh37 (hg19) VCF-style: chr14-102510213-C-G.
Other names: short protein forms S4172C.
Identifiers: ClinVar variation 4730716 (VCV004730716.1).

ClinVar aggregate classification (germline): Uncertain significance (1 of 4 stars; one submission).

Conditions:
Charcot-Marie-Tooth disease axonal type 2O. Also called: CHARCOT-MARIE-TOOTH NEUROPATHY, AXONAL, TYPE 2O; CHARCOT-MARIE-TOOTH DISEASE, AXONAL, AUTOSOMAL DOMINANT, TYPE 2O; Charcot-Marie-Tooth Neuropathy Type 2O; Charcot-Marie-Tooth disease, axonal, type 20. Identifiers: Orphanet 284232, MedGen C3280220, MONDO:0013644, OMIM 614228.

Submission:

Labcorp Genetics (formerly Invitae), Labcorp
Classification: Uncertain significance for Charcot-Marie-Tooth disease axonal type 2O. Last evaluated: 2025-12-03. Review status: criteria provided, single submitter. Criteria: Invitae Variant Classification Sherloc (09022015). Collection method: clinical testing. Allele origin: germline.
Comment: This sequence change replaces serine, which is neutral and polar, with cysteine, which is neutral and slightly polar, at codon 4172 of the DYNC1H1 protein (p.Ser4172Cys). This variant is not present in population databases (gnomAD no frequency). This variant has not been reported in the literature in individuals affected with DYNC1H1-related conditions. An algorithm developed to predict the effect of missense changes on protein structure and function (PolyPhen-2) suggests that this variant is likely to be disruptive. In summary, the available evidence is currently insufficient to determine the role of this variant in disease. Therefore, it has been classified as a Variant of Uncertain Significance.